The following is an entry in ClinVar:

ClinVar aggregate classification (germline): Uncertain significance (1 of 4 stars; one submission).

Conditions:
Inborn genetic diseases. Identifiers: MedGen C0950123, MeSH D030342.

gnomAD v4.1: 3 of 1,613,792 alleles (0.00019%); highest among the groups gnomAD compares: Admixed American, 0.0033%; no homozygotes.

Submission:

Ambry Genetics
Classification: Uncertain significance for Inborn genetic diseases. Last evaluated: 2025-08-25. Review status: criteria provided, single submitter. Criteria: Ambry Variant Classification Scheme 2023. Collection method: clinical testing. Allele origin: germline.
Comment: The p.I503V variant (also known as c.1507A>G), located in coding exon 9 of the FANCM gene, results from an A to G substitution at nucleotide position 1507. The isoleucine at codon 503 is replaced by valine, an amino acid with highly similar properties. This amino acid position is conserved. In addition, this alteration is predicted to be tolerated by in silico analysis. Based on the available evidence, the clinical significance of this variant remains unclear.

NM_020937.4(FANCM):c.1507A>G (p.Ile503Val)

Gene: FANCM (FA complementation group M; plus strand). Cytogenetic location: 14q21.2.
Variant type: single nucleotide variant.
Coding change: c.1507A>G on transcript NM_020937.4 (MANE Select); coding-DNA position 1507, A replaced by G.
Protein change: p.Ile503Val; replaces isoleucine 503 with valine.
Molecular consequence: missense variant.
Genome position (GRCh38, 1-based): chr14:45,159,206, A>G. VCF-style: chr14-45159206-A-G. GRCh37 (hg19) VCF-style: chr14-45628409-A-G.
Other names: c.1429A>G, p.Ile477Val (NM_001308133.2); c.1507A>G, p.Ile503Val (NM_001308134.2); short protein forms I503V, I477V.
Identifiers: ClinVar variation 4254712 (VCV004254712.1).